The following is an entry in ClinVar:

ClinVar aggregate classification (germline): Likely pathogenic (1 of 4 stars; one submission).

Conditions:
Autosomal recessive polycystic kidney disease (ARPKD). Also called: AR polycystic kidney disease. Identifiers: Orphanet 731, Orphanet 8378, MedGen C0085548, MeSH D017044, MONDO:0009889.

gnomAD v4.1: 2 of 1,587,916 alleles (0.00013%); highest among the groups gnomAD compares: Non-Finnish European, 0.00017%; no homozygotes.

Submission:

Labcorp Genetics (formerly Invitae), Labcorp
Classification: Likely pathogenic for Autosomal recessive polycystic kidney disease. Last evaluated: 2023-04-25. Review status: criteria provided, single submitter. Criteria: Invitae Variant Classification Sherloc (09022015). Collection method: clinical testing. Allele origin: germline.
Comment: This sequence change falls in intron 2 of the PKHD1 gene. It does not directly change the encoded amino acid sequence of the PKHD1 protein. RNA analysis indicates that this variant induces altered splicing and likely results in a shortened protein product. This variant is present in population databases (no rsID available, gnomAD 0.0009%). This variant has been observed in individual(s) with polycystic kidney disease (PMID: 16897190). In at least one individual the data is consistent with being in trans (on the opposite chromosome) from a pathogenic variant. Variants that disrupt the consensus splice site are a relatively common cause of aberrant splicing (PMID: 17576681, 9536098). Studies have shown that this variant results in skipping of exon 3, but is expected to preserve the integrity of the reading-frame (PMID: 16897190). In summary, the currently available evidence indicates that the variant is pathogenic, but additional data are needed to prove that conclusively. Therefore, this variant has been classified as Likely Pathogenic.

Literature cited by the submitters: PubMed 16897190; PubMed 17576681; PubMed 9536098.

NM_138694.4(PKHD1):c.53-3C>A

Gene: PKHD1 (PKHD1 ciliary IPT domain containing fibrocystin/polyductin; minus strand). Cytogenetic location: 6p12.2.
Variant type: single nucleotide variant.
Coding change: c.53-3C>A on transcript NM_138694.4 (MANE Select); 3 bases into the intron before coding-DNA position 53, C replaced by A.
Molecular consequence: intron variant.
Genome position (GRCh38, 1-based): chr6:52,083,258, G>T on the plus strand (C>A on the coding strand, the complement: PKHD1 is on the minus strand). VCF-style: chr6-52083258-G-T. GRCh37 (hg19) VCF-style: chr6-51948056-G-T.
Other names: c.53-3C>A (NM_170724.3).
Identifiers: ClinVar variation 2734907 (VCV002734907.3), dbSNP rs1021843705, ClinGen allele CA567298519.